The following is an entry in ClinVar:

NM_000093.5(COL5A1):c.1293G>T (p.Gly431=)

Gene: COL5A1 (collagen type V alpha 1 chain; plus strand). Cytogenetic location: 9q34.3.
Variant type: single nucleotide variant.
Coding change: c.1293G>T on transcript NM_000093.5 (MANE Select); coding-DNA position 1293, G replaced by T.
Protein change: p.Gly431=; no amino-acid change (glycine 431 retained).
Molecular consequence: synonymous variant.
Genome position (GRCh38, 1-based): chr9:134,731,624, G>T. VCF-style: chr9-134731624-G-T. GRCh37 (hg19) VCF-style: chr9-137623470-G-T.
Other names: p.G431G:GGG>GGT; c.1293G>T, p.Gly431= (NM_001278074.1).
Identifiers: ClinVar variation 212928 (VCV000212928.45), dbSNP rs373460629, ClinGen allele CA323800.

ClinVar aggregate classification (germline): Benign/Likely benign. Review status: criteria provided, multiple submitters, no conflicts (2 of 4 stars). 7 submissions from 6 submitters: Benign (3); Likely benign (4). Last evaluated 2025-12-15.

Conditions:
Fibromuscular dysplasia, multifocal. Identifiers: MedGen C5543412, MONDO:0859151, OMIM 619329.
Ehlers-Danlos syndrome, classic type, 1 (EDSCL1). Also called: EHLERS-DANLOS SYNDROME, GRAVIS TYPE; EHLERS-DANLOS SYNDROME, SEVERE CLASSIC TYPE; Ehlers-Danlos syndrome, type 1; Ehlers-Danlos Syndrome, Classic Type, COL5A1-Related; EDS I. Identifiers: MedGen C0268335, MONDO:0019567, OMIM 130000.
Familial thoracic aortic aneurysm and aortic dissection (TAAD). Also called: Thoracic aortic aneurysms and dissections. Identifiers: Orphanet 91387, MedGen C4707243, MONDO:0019625.

Allele frequency attached by ClinVar (database versions not stated): ExAC 0.00002; gnomAD 0.00002; gnomAD exomes 0.00002 and 0.00005; TOPMed 0.00003; ESP Exome Variant Server 0.00008.
gnomAD v4.1: 69 of 1,613,958 alleles (0.0043%); highest among the groups gnomAD compares: African/African-American, 0.0067%; no homozygotes.

Submissions (7):

Labcorp Genetics (formerly Invitae), Labcorp
Classification: Likely benign for Ehlers-Danlos syndrome, classic type, 1. Last evaluated: 2025-12-15. Review status: criteria provided, single submitter. Criteria: Invitae Variant Classification Sherloc (09022015). Collection method: clinical testing. Allele origin: germline.

Blueprint Genetics
Classification: Likely benign. Last evaluated: 2024-01-22. Review status: criteria provided, single submitter. Criteria: ACMG Guidelines, 2015. Collection method: clinical testing. Allele origin: germline.

Genome-Nilou Lab
Classification: Benign for Ehlers-Danlos syndrome, classic type, 1. Last evaluated: 2022-03-15. Review status: criteria provided, single submitter. Criteria: ACMG Guidelines, 2015. Collection method: clinical testing. Allele origin: germline. Affected: no.

Genome-Nilou Lab
Classification: Benign for Fibromuscular dysplasia, multifocal. Last evaluated: 2022-03-15. Review status: criteria provided, single submitter. Criteria: ACMG Guidelines, 2015. Collection method: clinical testing. Allele origin: germline. Affected: no.

CeGaT Center for Human Genetics Tuebingen
Classification: Likely benign. Last evaluated: 2022-03-01. Review status: criteria provided, single submitter. Criteria: CeGaT Center For Human Genetics Tuebingen Variant Classification Criteria Version 2. Collection method: clinical testing. Allele origin: germline. Affected: yes. Observed: 1 variant allele.

Ambry Genetics
Classification: Likely benign for Familial thoracic aortic aneurysm and aortic dissection. Last evaluated: 2019-06-01. Review status: criteria provided, single submitter. Criteria: Ambry Variant Classification Scheme 2023. Collection method: clinical testing. Allele origin: germline.

GeneDx
Classification: Benign. Last evaluated: 2015-06-08. Review status: criteria provided, single submitter. Criteria: GeneDx Variant Classification (06012015). Collection method: clinical testing. Allele origin: germline. Affected: yes.
Comment: This variant is considered likely benign or benign based on one or more of the following criteria: it is a conservative change, it occurs at a poorly conserved position in the protein, it is predicted to be benign by multiple in silico algorithms, and/or has population frequency not consistent with disease.